The following is an entry in ClinVar:

ClinVar aggregate classification (germline): Uncertain significance. Review status: criteria provided, multiple submitters, no conflicts (2 of 4 stars). 3 submissions from 3 submitters: Uncertain significance (3). Last evaluated 2025-11-18.

Conditions:
Fanconi anemia complementation group P. Also called: SLX4-Related Fanconi Anemia. Identifiers: Orphanet 84, MedGen C3469542, MONDO:0013499, OMIM 613951.
Fanconi anemia (FA). Also called: Fanconi's anemia. Identifiers: Orphanet 84, MedGen C0015625, MeSH D005199, MONDO:0019391.

Allele frequency attached by ClinVar (database versions not stated): gnomAD 0.00005; ExAC 0.00006; TOPMed 0.00006; gnomAD exomes 0.00008; 1000 Genomes Project 30x 0.00016; 1000 Genomes Project 0.00020.
gnomAD v4.1: 50 of 1,614,118 alleles (0.0031%); highest among the groups gnomAD compares: East Asian, 0.047%; no homozygotes.

Submissions (3):

Labcorp Genetics (formerly Invitae), Labcorp
Classification: Uncertain significance for Fanconi anemia. Last evaluated: 2025-11-18. Review status: criteria provided, single submitter. Criteria: Invitae Variant Classification Sherloc (09022015). Collection method: clinical testing. Allele origin: germline.
Comment: This sequence change replaces arginine, which is basic and polar, with cysteine, which is neutral and slightly polar, at codon 1062 of the SLX4 protein (p.Arg1062Cys). This variant is present in population databases (rs569194362, gnomAD 0.07%). This variant has not been reported in the literature in individuals affected with SLX4-related conditions. ClinVar contains an entry for this variant (Variation ID: 653725). An algorithm developed to predict the effect of missense changes on protein structure and function (PolyPhen-2) suggests that this variant is likely to be disruptive. In summary, the available evidence is currently insufficient to determine the role of this variant in disease. Therefore, it has been classified as a Variant of Uncertain Significance.

Fulgent Genetics
Classification: Uncertain significance for Fanconi anemia complementation group P. Last evaluated: 2022-03-10. Review status: criteria provided, single submitter. Criteria: ACMG Guidelines, 2015. Collection method: clinical testing. Allele origin: unknown.

Sema4
Classification: Uncertain significance for Fanconi anemia. Last evaluated: 2021-11-11. Review status: criteria provided, single submitter. Criteria: Sema4 Curation Guidelines. Collection method: curation. Allele origin: germline.
Comment: The SLX4 c.3184C>T (p.R1062C) variant has not been reported in the literature to our knowledge. It was observed in 15/19952 chromosomes of the East Asian subpopulation, with no homozygotes, in the large and broad cohorts of the Genome Aggregation Database (PMID: 32461654). The variant has been reported in ClinVar (Variation ID 653725). Functional studies have not been performed, and in silico predictions of the variant's effect on protein function are inconclusive. The evidence is insufficient to meet ACMG/AMP criteria for classifying the variant as benign or pathogenic. Thus, the clinical significance of this variant is currently uncertain.

NM_032444.4(SLX4):c.3184C>T (p.Arg1062Cys)

Gene: SLX4 (SLX4 structure-specific endonuclease subunit; minus strand). Cytogenetic location: 16p13.3.
Variant type: single nucleotide variant.
Coding change: c.3184C>T on transcript NM_032444.4 (MANE Select); coding-DNA position 3184, C replaced by T.
Protein change: p.Arg1062Cys; replaces arginine 1062 with cysteine.
Molecular consequence: missense variant.
Genome position (GRCh38, 1-based): chr16:3,590,454, G>A on the plus strand (C>T on the coding strand, the complement: SLX4 is on the minus strand). VCF-style: chr16-3590454-G-A. GRCh37 (hg19) VCF-style: chr16-3640455-G-A.
Other names: c.3184C>T (LRG_503t1); short protein forms R1062C.
Identifiers: ClinVar variation 653725 (VCV000653725.10), dbSNP rs569194362, ClinGen allele CA7865973.
Genomic context (GRCh38, chr16:3,590,454, plus strand): 5'-GCTTTGATGGCACAGCTGGAGACAGCAAGGTTGGGGAGCCCACCTGGGAAGTTCCGCCAC[G>A]GGACCGGGGTGTTGACAGGGACGACCCACTTGTGTGATGAGACCCGCGGGGACTCCCGCC-3'
Protein context (NP_115820.2, residues 1052-1072): SGSSLSTPRS[Arg1062Cys]GGTSQVGSPT